The following is an entry in ClinVar:

NM_006060.6(IKZF1):c.1267C>T (p.Arg423Cys)

Gene: IKZF1 (IKAROS family zinc finger 1; plus strand). Cytogenetic location: 7p12.2.
Variant type: single nucleotide variant.
Coding change: c.1267C>T on transcript NM_006060.6 (MANE Select); coding-DNA position 1267, C replaced by T.
Protein change: p.Arg423Cys; replaces arginine 423 with cysteine.
Molecular consequence: missense variant.
Genome position (GRCh38, 1-based): chr7:50,400,334, C>T. VCF-style: chr7-50400334-C-T. GRCh37 (hg19) VCF-style: chr7-50468032-C-T.
Other names: c.808C>T, p.Arg270Cys (NM_001291842.1); c.712C>T, p.Arg238Cys (NM_001291843.1); c.682C>T, p.Arg228Cys (NM_001291844.1); c.1267C>T (NM_006060.5); c.1141C>T, p.Arg381Cys (NM_001220765.3, NM_001291837.2); c.976C>T, p.Arg326Cys (NM_001220767.2); c.1006C>T, p.Arg336Cys (NM_001220768.2, NM_001291838.2); c.850C>T, p.Arg284Cys (NM_001220770.2); and 3 more; short protein forms R193C, R228C, R238C, R270C, R280C, R284C, R294C, R326C.
Identifiers: ClinVar variation 988782 (VCV000988782.8), dbSNP rs757907717, ClinGen allele CA4261480.

ClinVar aggregate classification (germline): Uncertain significance. Review status: criteria provided, multiple submitters, no conflicts (2 of 4 stars). 3 submissions from 3 submitters: Uncertain significance (2). 1 of the submissions does not count toward it. Last evaluated 2025-05-20.

Conditions:
Diamond-Blackfan anemia-like. Identifiers: MedGen C4693556, MONDO:0060662, OMIM 617911.

Allele frequency attached by ClinVar (database versions not stated): gnomAD exomes 0.00001 and 0.00002; ExAC 0.00002; TOPMed 0.00002; gnomAD 0.00003 and 0.00004.
gnomAD v4.1: 10 of 1,612,906 alleles (0.00062%); highest among the groups gnomAD compares: Non-Finnish European, 0.00085%; no homozygotes.

Submissions (3):

GeneDx
Classification: Uncertain significance. Last evaluated: 2025-05-20. Review status: criteria provided, single submitter. Criteria: GeneDx Variant Classification Process June 2021. Collection method: clinical testing. Allele origin: germline. Affected: yes.
Comment: Published functional studies suggest a damaging effect with increased protein expression and altered localization and adhesion; however, these studies are not conclusive (PMID: 29681510, 34162668); In silico analysis supports that this missense variant has a deleterious effect on protein structure/function; Not observed at significant frequency in large population cohorts (gnomAD); Also known as p.R381C; This variant is associated with the following publications: (PMID: 29681510, 36764385, 34162668, 38002903)

Labcorp Genetics (formerly Invitae), Labcorp
Classification: Uncertain significance. Last evaluated: 2023-09-21. Review status: criteria provided, single submitter. Criteria: Invitae Variant Classification Sherloc (09022015). Collection method: clinical testing. Allele origin: germline.
Comment: This variant is present in population databases (rs757907717, gnomAD 0.004%). This sequence change replaces arginine, which is basic and polar, with cysteine, which is neutral and slightly polar, at codon 423 of the IKZF1 protein (p.Arg423Cys). This missense change has been observed in individual(s) with clinical features of IKZF1-related conditions (PMID: 29681510, 34162668). In summary, the available evidence is currently insufficient to determine the role of this variant in disease. Therefore, it has been classified as a Variant of Uncertain Significance. Experimental studies have shown that this missense change affects IKZF1 function (PMID: 29681510). Algorithms developed to predict the effect of variants on protein structure and function are not available or were not evaluated for this variant. ClinVar contains an entry for this variant (Variation ID: 988782).

Clinical Genetics Branch, National Institutes of Health
Classification: Pathogenic for Diamond-Blackfan anemia-like. Review status: no assertion criteria provided. Collection method: clinical testing. Allele origin: germline. Inheritance: Autosomal dominant inheritance. Affected: yes. Observed: 1 heterozygote. Not counted in ClinVar's aggregate classification.

Literature cited by the submitters: PubMed 29681510 (cited by Labcorp Genetics (formerly Invitae), Labcorp); PubMed 34162668 (cited by Labcorp Genetics (formerly Invitae), Labcorp).